The following is an entry in ClinVar:

ClinVar aggregate classification (germline): Benign. Review status: criteria provided, multiple submitters, no conflicts (2 of 4 stars). 2 submissions from 2 submitters: Benign (2). Last evaluated 2023-11-12.

Allele frequency attached by ClinVar (database versions not stated): 1000 Genomes Project 0.35823; 1000 Genomes Project 30x 0.36056; TOPMed 0.45918; gnomAD 0.48115 and 0.48208; gnomAD exomes 0.55622.
gnomAD v4.1: 423,437 of 782,468 alleles (54%); highest among the groups gnomAD compares: Middle Eastern, 64%; 121,740 homozygotes.

Submissions (2):

Unidad de Genómica Garrahan, Hospital de Pediatría Garrahan
Classification: Benign. Last evaluated: 2023-11-12. Review status: criteria provided, single submitter. Criteria: ACMG Guidelines, 2015. Collection method: clinical testing. Allele origin: germline. Affected: no. Observed: 37 variant alleles.
Comment: This variant is classified as Benign based on local population frequency. This variant was detected in 39% of patients studied by a panel of primary immunodeficiencies. Number of patients: 37. Only high quality variants are reported.

GeneDx
Classification: Benign. Last evaluated: 2021-06-19. Review status: criteria provided, single submitter. Criteria: GeneDx Variant Classification Process June 2021. Collection method: clinical testing. Allele origin: germline. Affected: yes.

NM_001128148.3(TFRC):c.37-135T>C

Gene: TFRC (transferrin receptor; minus strand). Cytogenetic location: 3q29.
Variant type: single nucleotide variant.
Coding change: c.37-135T>C on transcript NM_001128148.3 (MANE Select); 135 bases into the intron before coding-DNA position 37, T replaced by C.
Molecular consequence: intron variant.
Genome position (GRCh38, 1-based): chr3:196,075,495, A>G on the plus strand (T>C on the coding strand, the complement: TFRC is on the minus strand). VCF-style: chr3-196075495-A-G. GRCh37 (hg19) VCF-style: chr3-195802366-A-G.
Other names: c.-413+1569T>C (NM_001313966.2); c.-5-1370T>C (NM_001313965.2); c.37-135T>C (NM_003234.4).
Identifiers: ClinVar variation 1243070 (VCV001243070.4), dbSNP rs9877119, ClinGen allele CA15250733.